The following is an entry in ClinVar:

ClinVar aggregate classification (germline): Uncertain significance. Review status: criteria provided, multiple submitters, no conflicts (2 of 4 stars). 2 submissions from 2 submitters: Uncertain significance (2). Last evaluated 2026-03-30.

Conditions:
Cardiovascular phenotype. Identifiers: MedGen CN230736.
Brugada syndrome 8 (BRGDA8). Identifiers: Orphanet 130, MedGen C2751083, MONDO:0013148, OMIM 613123.

Allele frequency attached by ClinVar (database versions not stated): TOPMed 0.00003.
gnomAD v4.1: 21 of 1,554,386 alleles (0.0014%); highest among the groups gnomAD compares: Non-Finnish European, 0.0018%; no homozygotes.

Submissions (2):

Ambry Genetics
Classification: Uncertain significance for Cardiovascular phenotype. Last evaluated: 2026-03-30. Review status: criteria provided, single submitter. Criteria: Ambry Variant Classification Scheme 2023. Collection method: clinical testing. Allele origin: germline.
Comment: The p.G973W variant (also known as c.2917G>T), located in coding exon 8 of the HCN4 gene, results from a G to T substitution at nucleotide position 2917. The glycine at codon 973 is replaced by tryptophan, an amino acid with highly dissimilar properties. This amino acid position is not well conserved in available vertebrate species. In addition, the in silico prediction for this alteration is inconclusive. Based on the available evidence, the clinical significance of this variant remains unclear.

Labcorp Genetics (formerly Invitae), Labcorp
Classification: Uncertain significance for Brugada syndrome 8. Last evaluated: 2025-11-03. Review status: criteria provided, single submitter. Criteria: Invitae Variant Classification Sherloc (09022015). Collection method: clinical testing. Allele origin: germline.
Comment: This sequence change replaces glycine, which is neutral and non-polar, with tryptophan, which is neutral and slightly polar, at codon 973 of the HCN4 protein (p.Gly973Trp). This variant is not present in population databases (gnomAD no frequency). This variant has not been reported in the literature in individuals affected with HCN4-related conditions. ClinVar contains an entry for this variant (Variation ID: 1003330). Invitae Evidence Modeling of protein sequence and biophysical properties (such as structural, functional, and spatial information, amino acid conservation, physicochemical variation, residue mobility, and thermodynamic stability) indicates that this missense variant is not expected to disrupt HCN4 protein function with a negative predictive value of 95%. In summary, the available evidence is currently insufficient to determine the role of this variant in disease. Therefore, it has been classified as a Variant of Uncertain Significance.

NM_005477.3(HCN4):c.2917G>T (p.Gly973Trp)

Gene: HCN4 (hyperpolarization activated cyclic nucleotide gated potassium channel 4; minus strand). Cytogenetic location: 15q24.1.
Variant type: single nucleotide variant.
Coding change: c.2917G>T on transcript NM_005477.3 (MANE Select); coding-DNA position 2917, G replaced by T.
Protein change: p.Gly973Trp; replaces glycine 973 with tryptophan.
Molecular consequence: missense variant.
Genome position (GRCh38, 1-based): chr15:73,323,176, C>A on the plus strand (G>T on the coding strand, the complement: HCN4 is on the minus strand). VCF-style: chr15-73323176-C-A. GRCh37 (hg19) VCF-style: chr15-73615517-C-A.
Other names: c.2917G>T (NM_005477.2); short protein forms G973W.
Identifiers: ClinVar variation 1003330 (VCV001003330.9), dbSNP rs200495478, ClinGen allele CA7648925.